The following is an entry in ClinVar:

ClinVar aggregate classification (germline): Uncertain significance (1 of 4 stars; one submission).

Conditions:
Oculofaciocardiodental syndrome (MCOPS2). Identifiers: Orphanet 2712, MedGen C1846265, MONDO:0010261, OMIM 300166.

gnomAD v4.1: 32 of 1,206,986 alleles (0.0027%); highest among the groups gnomAD compares: Non-Finnish European, 0.0032%; no homozygotes.

Submission:

Labcorp Genetics (formerly Invitae), Labcorp
Classification: Uncertain significance for Oculofaciocardiodental syndrome. Last evaluated: 2024-06-24. Review status: criteria provided, single submitter. Criteria: Invitae Variant Classification Sherloc (09022015). Collection method: clinical testing. Allele origin: germline.
Comment: This sequence change replaces arginine, which is basic and polar, with glutamine, which is neutral and polar, at codon 1627 of the BCOR protein (p.Arg1627Gln). This variant is present in population databases (rs752359195, gnomAD 0.008%). This variant has not been reported in the literature in individuals affected with BCOR-related conditions. Advanced modeling of protein sequence and biophysical properties (such as structural, functional, and spatial information, amino acid conservation, physicochemical variation, residue mobility, and thermodynamic stability) has been performed at Invitae for this missense variant, however the output from this modeling did not meet the statistical confidence thresholds required to predict the impact of this variant on BCOR protein function. In summary, the available evidence is currently insufficient to determine the role of this variant in disease. Therefore, it has been classified as a Variant of Uncertain Significance.

NM_001123385.2(BCOR):c.4982G>A (p.Arg1661Gln)

Gene: BCOR (BCL6 corepressor; minus strand). Cytogenetic location: Xp11.4.
Variant type: single nucleotide variant.
Coding change: c.4982G>A on transcript NM_001123385.2 (MANE Select); coding-DNA position 4982, G replaced by A.
Protein change: p.Arg1661Gln; replaces arginine 1661 with glutamine.
Molecular consequence: missense variant.
Genome position (GRCh38, 1-based): chrX:40,052,395, C>T on the plus strand (G>A on the coding strand, the complement: BCOR is on the minus strand). VCF-style: chrX-40052395-C-T. GRCh37 (hg19) VCF-style: chrX-39911648-C-T.
Other names: c.4880G>A, p.Arg1627Gln (NM_001123383.2, NM_017745.6); c.4826G>A, p.Arg1609Gln (NM_001123384.2); short protein forms R1609Q, R1627Q, R1661Q.
Identifiers: ClinVar variation 3712741 (VCV003712741.2).